The following is an entry in ClinVar:

NM_031407.7(HUWE1):c.10514C>T (p.Pro3505Leu)

Gene: HUWE1 (HECT, UBA and WWE domain containing E3 ubiquitin protein ligase 1; minus strand). Cytogenetic location: Xp11.22.
Variant type: single nucleotide variant.
Coding change: c.10514C>T on transcript NM_031407.7 (MANE Select); coding-DNA position 10514, C replaced by T.
Protein change: p.Pro3505Leu; replaces proline 3505 with leucine.
Molecular consequence: missense variant.
Genome position (GRCh38, 1-based): chrX:53,547,795, G>A on the plus strand (C>T on the coding strand, the complement: HUWE1 is on the minus strand). VCF-style: chrX-53547795-G-A. GRCh37 (hg19) VCF-style: chrX-53574756-G-A.
Other names: c.10514C>T (NM_031407.4); short protein forms P3505L.
Identifiers: ClinVar variation 1041460 (VCV001041460.9), dbSNP rs2061609827, ClinGen allele CA413135418.
Genomic context (GRCh38, chrX:53,547,795, plus strand): 5'-GTGGAAATAGCCGTGGCAGCAACCAGGGCTGGAGCAGAAGTGACAGGGGTGGGTGCAGTA[G>A]GGGGTGTGGGCGTGGTGGAGGCGGCAGTGGTGGTGGTGGTAGATGTGGTTGAGGTGGCAG-3'
Protein context (NP_113584.3, residues 3495-3515): TTAASTTPTP[Pro3505Leu]TAPTPVTSAP

ClinVar aggregate classification (germline): Uncertain significance. Review status: criteria provided, multiple submitters, no conflicts (2 of 4 stars). 2 submissions from 2 submitters: Uncertain significance (2). Last evaluated 2026-01-05.

Conditions:
Inborn genetic diseases. Identifiers: MedGen C0950123, MeSH D030342.

Allele frequency attached by ClinVar (database versions not stated): gnomAD 0.00001.
gnomAD v4.1: 1 of 1,198,978 alleles (0.000083%); highest among the groups gnomAD compares: Admixed American, 0.0023%; no homozygotes.

Submissions (2):

Labcorp Genetics (formerly Invitae), Labcorp
Classification: Uncertain significance. Last evaluated: 2026-01-05. Review status: criteria provided, single submitter. Criteria: Invitae Variant Classification Sherloc (09022015). Collection method: clinical testing. Allele origin: germline.
Comment: This sequence change replaces proline, which is neutral and non-polar, with leucine, which is neutral and non-polar, at codon 3505 of the HUWE1 protein (p.Pro3505Leu). This variant is not present in population databases (gnomAD no frequency). This variant has not been reported in the literature in individuals affected with HUWE1-related conditions. ClinVar contains an entry for this variant (Variation ID: 1041460). Invitae Evidence Modeling of protein sequence and biophysical properties (such as structural, functional, and spatial information, amino acid conservation, physicochemical variation, residue mobility, and thermodynamic stability) indicates that this missense variant is not expected to disrupt HUWE1 protein function with a negative predictive value of 95%. In summary, the available evidence is currently insufficient to determine the role of this variant in disease. Therefore, it has been classified as a Variant of Uncertain Significance.

Ambry Genetics
Classification: Uncertain significance for Inborn genetic diseases. Last evaluated: 2025-12-09. Review status: criteria provided, single submitter. Criteria: Ambry Variant Classification Scheme 2023. Collection method: clinical testing. Allele origin: germline.